The following is an entry in ClinVar:

ClinVar aggregate classification (germline): Benign/Likely benign. Review status: criteria provided, multiple submitters, no conflicts (2 of 4 stars). 5 submissions from 5 submitters: Benign (1); Likely benign (4). Last evaluated 2025-10-09.

Conditions:
Ehlers-Danlos syndrome, classic type, 1 (EDSCL1). Also called: EHLERS-DANLOS SYNDROME, GRAVIS TYPE; EHLERS-DANLOS SYNDROME, SEVERE CLASSIC TYPE; Ehlers-Danlos syndrome, type 1; Ehlers-Danlos Syndrome, Classic Type, COL5A1-Related; EDS I. Identifiers: MedGen C0268335, MONDO:0019567, OMIM 130000.
Familial thoracic aortic aneurysm and aortic dissection (TAAD). Also called: Thoracic aortic aneurysms and dissections. Identifiers: Orphanet 91387, MedGen C4707243, MONDO:0019625.

Allele frequency attached by ClinVar (database versions not stated): TOPMed 0.00006; 1000 Genomes Project 30x 0.00016; 1000 Genomes Project 0.00020.
gnomAD v4.1: 49 of 1,612,772 alleles (0.003%); highest among the groups gnomAD compares: Admixed American, 0.0083%; no homozygotes.

Submissions (5):

Labcorp Genetics (formerly Invitae), Labcorp
Classification: Benign for Ehlers-Danlos syndrome, classic type, 1. Last evaluated: 2025-10-09. Review status: criteria provided, single submitter. Criteria: Invitae Variant Classification Sherloc (09022015). Collection method: clinical testing. Allele origin: germline.

Ambry Genetics
Classification: Likely benign for Familial thoracic aortic aneurysm and aortic dissection. Last evaluated: 2025-09-26. Review status: criteria provided, single submitter. Criteria: Ambry Variant Classification Scheme 2023. Collection method: clinical testing. Allele origin: germline.

Women's Health and Genetics/Laboratory Corporation of America, LabCorp
Classification: Likely benign. Last evaluated: 2025-09-02. Review status: criteria provided, single submitter. Criteria: LabCorp Variant Classification Summary - May 2015. Collection method: clinical testing. Allele origin: germline.
Comment: Variant summary: COL5A1 c.431C>T (p.Thr144Met) results in a non-conservative amino acid change in the encoded protein sequence. Algorithms developed to predict the effect of missense changes on protein structure and function are either unavailable or do not agree on the potential impact of this missense change. The variant allele was found at a frequency of 4.8e-05 in 250192 control chromosomes. The observed variant frequency exceeds the estimated maximal expected allele frequency for disease-causing variants in COL5A1. To our knowledge, no occurrence of c.431C>T in individuals affected with COL5A1-related conditions and no experimental evidence demonstrating its impact on protein function have been reported. ClinVar contains an entry for this variant (Variation ID: 212918). Based on the evidence outlined above, the variant was classified as likely benign.

Blueprint Genetics
Classification: Likely benign. Last evaluated: 2019-07-02. Review status: criteria provided, single submitter. Criteria: ACMG Guidelines, 2015. Collection method: clinical testing. Allele origin: germline.

GeneDx
Classification: Likely benign. Last evaluated: 2019-05-07. Review status: criteria provided, single submitter. Criteria: GeneDx Variant Classification Process June 2021. Collection method: clinical testing. Allele origin: germline. Affected: yes.

NM_000093.5(COL5A1):c.431C>T (p.Thr144Met)

Gene: COL5A1 (collagen type V alpha 1 chain; plus strand). Cytogenetic location: 9q34.3.
Variant type: single nucleotide variant.
Coding change: c.431C>T on transcript NM_000093.5 (MANE Select); coding-DNA position 431, C replaced by T.
Protein change: p.Thr144Met; replaces threonine 144 with methionine.
Molecular consequence: missense variant.
Genome position (GRCh38, 1-based): chr9:134,700,062, C>T. VCF-style: chr9-134700062-C-T. GRCh37 (hg19) VCF-style: chr9-137591908-C-T.
Other names: p.T144M:ACG>ATG; c.431C>T, p.Thr144Met (NM_001278074.1); short protein forms T144M.
Identifiers: ClinVar variation 212918 (VCV000212918.14), dbSNP rs561761305, ClinGen allele CA321099.